The following is an entry in ClinVar:

ClinVar aggregate classification (germline): Uncertain significance. Review status: criteria provided, multiple submitters, no conflicts (2 of 4 stars). 2 submissions from 2 submitters: Uncertain significance (2). Last evaluated 2024-02-13.

Conditions:
Congenital myasthenic syndrome 8. Also called: MYASTHENIC SYNDROME, CONGENITAL, DUE TO AGRIN DEFICIENCY; Myasthenic syndrome, congenital, 8, with pre- and postsynaptic defects. Identifiers: Orphanet 590, MedGen C3808739, MONDO:0014052, OMIM 615120.
Inborn genetic diseases. Identifiers: MedGen C0950123, MeSH D030342.

Allele frequency attached by ClinVar (database versions not stated): TOPMed below 0.00001.
gnomAD v4.1: 5 of 1,606,424 alleles (0.00031%); highest among the groups gnomAD compares: Non-Finnish European, 0.00042%; no homozygotes.

Submissions (2):

Ambry Genetics
Classification: Uncertain significance for Inborn genetic diseases. Last evaluated: 2024-02-13. Review status: criteria provided, single submitter. Criteria: Ambry Variant Classification Scheme 2023. Collection method: clinical testing. Allele origin: germline.

Labcorp Genetics (formerly Invitae), Labcorp
Classification: Uncertain significance for Congenital myasthenic syndrome 8. Last evaluated: 2022-11-01. Review status: criteria provided, single submitter. Criteria: Invitae Variant Classification Sherloc (09022015). Collection method: clinical testing. Allele origin: germline.
Comment: In summary, the available evidence is currently insufficient to determine the role of this variant in disease. Therefore, it has been classified as a Variant of Uncertain Significance. Algorithms developed to predict the effect of missense changes on protein structure and function output the following: SIFT: "Tolerated"; PolyPhen-2: "Possibly Damaging"; Align-GVGD: "Class C0". The leucine amino acid residue is found in multiple mammalian species, which suggests that this missense change does not adversely affect protein function. ClinVar contains an entry for this variant (Variation ID: 943139). This variant has not been reported in the literature in individuals affected with AGRN-related conditions. This variant is not present in population databases (gnomAD no frequency). This sequence change replaces arginine, which is basic and polar, with leucine, which is neutral and non-polar, at codon 339 of the AGRN protein (p.Arg339Leu).

NM_198576.4(AGRN):c.1016G>T (p.Arg339Leu)

Gene: AGRN (agrin; plus strand). Cytogenetic location: 1p36.33.
Variant type: single nucleotide variant.
Coding change: c.1016G>T on transcript NM_198576.4 (MANE Select); coding-DNA position 1016, G replaced by T.
Protein change: p.Arg339Leu; replaces arginine 339 with leucine.
Molecular consequence: missense variant.
Genome position (GRCh38, 1-based): chr1:1,041,541, G>T. VCF-style: chr1-1041541-G-T. GRCh37 (hg19) VCF-style: chr1-976921-G-T.
Other names: c.1016G>T, p.Arg339Leu (NM_001305275.2); c.701G>T, p.Arg234Leu (NM_001364727.2); short protein forms R234L, R339L.
Identifiers: ClinVar variation 943139 (VCV000943139.10), dbSNP rs1438592464, ClinGen allele CA337826314.